The following is an entry in ClinVar:

NM_000128.4(F11):c.1238_1239del (p.Arg413fs)

Gene: F11 (coagulation factor XI; plus strand). Cytogenetic location: 4q35.2.
Variant type: Microsatellite.
Coding change: c.1238_1239del on transcript NM_000128.4 (MANE Select); coding-DNA positions 1238 to 1239, 2 bases deleted (GA; older notation c.1238_1239delGA).
Protein change: p.Arg413fs; shifts the reading frame from arginine 413.
Molecular consequence: frameshift variant.
Genome position (GRCh38, 1-based): chr4:186,284,194-186,284,195, GA deleted; deleting any 2 consecutive bases within chr4:186,284,191-186,284,195 gives the same sequence; the c. name uses the placement nearest the transcript's 3' end. VCF-style (leftmost placement, unchanged base first): chr4-186284190-CAG-C. GRCh37 (hg19) VCF-style: chr4-187205344-CAG-C.
Other names: c.1236_1237GA[1], p.Arg413Thrfs (NM_000128.3); c.1238_1239del (NM_000128.3); short protein forms R413fs.
Identifiers: ClinVar variation 4067802 (VCV004067802.3).
Genomic context (GRCh38, chr4:186,284,190, plus strand): 5'-ACTGCGTCTGTTCGTGGTGAGTGGCCGTGGCAGGTGACCCTGCACACAACCTCACCCACT[CAG>C]AGACACCTGTGTGGAGGCTCCATCATTGGAAACCAGTGGATATTAACAGCCGCTCACTGT-3'

ClinVar aggregate classification (germline): Pathogenic. Review status: criteria provided, multiple submitters, no conflicts (2 of 4 stars). 2 submissions from 2 submitters: Pathogenic (2). Last evaluated 2025-03-04.

Conditions:
Hereditary factor XI deficiency disease. Also called: PLASMA THROMBOPLASTIN ANTECEDENT DEFICIENCY; PTA DEFICIENCY; ROSENTHAL SYNDROME; Congenital factor XI deficiency. Identifiers: Orphanet 329, MedGen C0015523, MeSH D005173, MONDO:0012897, OMIM 612416.
Plasma factor XI deficiency.

Submissions (2):

Natera, Inc.
Classification: Pathogenic for Plasma factor XI deficiency. Last evaluated: 2025-03-04. Review status: criteria provided, single submitter. Criteria: Natera Variant Classification Schema (03/2026). Collection method: clinical testing. Allele origin: germline.
Comment: The c.1238_1239del variant in F11 is a frameshift variant predicted to shift the reading frame beginning at codon 413 and leads to a stop codon 27 codons downstream. This variant is expected to result in nonsense mediated decay, truncation, or a dysfunctional protein product. This variant is rare in the general population with a frequency below the threshold expected for the associated phenotype(s). This variant has been observed in one or more individuals affected with the associated recessive disease, as either homozygous or compound heterozygous with a second variant (PMID: 24112640). Given the available evidence, this variant is classified as Pathogenic.

Myriad Genetics, Inc.
Classification: Pathogenic for Hereditary factor XI deficiency disease. Last evaluated: 2024-05-14. Review status: criteria provided, single submitter. Criteria: Myriad Autosomal Dominant, Autosomal Recessive and X-Linked Classification Criteria (2023). Collection method: clinical testing. Allele origin: unknown.
Comment: NM_000128.3(F11):c.1238_1239delGA(R413Tfs*27) is expected to be pathogenic in the context of factor XI deficiency. This variant is predicted to lead to an abnormal or absent protein product due to the creation of a premature termination codon in F11, a gene where loss-of-function variants are known to be pathogenic. Please note: this variant was assessed in the context of healthy population screening.

Literature cited by the submitters: PubMed 24112640 (cited by Natera, Inc.).